The following is an entry in ClinVar:

NM_000298.6(PKLR):c.1675C>G (p.Arg559Gly)

Gene: PKLR (pyruvate kinase L/R; minus strand). Cytogenetic location: 1q22.
Variant type: single nucleotide variant.
Coding change: c.1675C>G on transcript NM_000298.6 (MANE Select); coding-DNA position 1675, C replaced by G.
Protein change: p.Arg559Gly; replaces arginine 559 with glycine.
Molecular consequence: missense variant.
Genome position (GRCh38, 1-based): chr1:155,290,622, G>C on the plus strand (C>G on the coding strand, the complement: PKLR is on the minus strand). VCF-style: chr1-155290622-G-C. GRCh37 (hg19) VCF-style: chr1-155260413-G-C.
Other names: c.1582C>G, p.Arg528Gly (NM_181871.4); short protein forms R528G, R559G.
Identifiers: ClinVar variation 2690678 (VCV002690678.3), dbSNP rs532230312, ClinGen allele CA342748341.

ClinVar aggregate classification (germline): Conflicting classifications of pathogenicity. Review status: criteria provided, conflicting classifications (1 of 4 stars). 2 submissions from 2 submitters: Likely pathogenic (1); Uncertain significance (1). Last evaluated 2025-08-13.

Conditions:
Pyruvate kinase deficiency of red cells (CNSHA2). Also called: PK DEFICIENCY; PYRUVATE KINASE DEFICIENCY OF ERYTHROCYTE; Pyruvate kinase deficiency, Amish type. Identifiers: Orphanet 766, MedGen C0340968, MONDO:0009950, OMIM 266200.

Submissions (2):

3billion
Classification: Uncertain significance for Pyruvate kinase deficiency of red cells. Last evaluated: 2025-08-13. Review status: criteria provided, single submitter. Criteria: ACMG Guidelines, 2015. Collection method: clinical testing. Allele origin: germline. Affected: yes.
Comment: The variant is not observed in the gnomAD v4.1.0 dataset. Predicted Consequence/Location: Missense variant In silico tool predictions suggest damaging effect of the variant on gene or gene product [REVEL: 0.85 (>=0.6, sensitivity 0.68 and specificity 0.92)]. The same nucleotide change resulting in the same amino acid change has been previously reported to be associated with PKLR-related disorder (ClinVar ID: VCV002690678 /PMID: 7655861). A different missense change at the same codon (p.Arg559Pro) has been reported to be associated with PKLR-related disorder (ClinVar ID: VCV002683181 /PMID: 26832193). However, the evidence of pathogenicity is insufficient at this time. Therefore, this variant is classified as VUS according to the recommendation of ACMG/AMP guideline.

Revvity Omics, Revvity
Classification: Likely pathogenic. Last evaluated: 2023-05-22. Review status: criteria provided, single submitter. Criteria: ACMG Guidelines, 2015. Collection method: clinical testing. Allele origin: germline.

Literature cited by the submitters: PubMed 26832193 (cited by 3billion); PubMed 7655861 (cited by 3billion).